The following is an entry in ClinVar:

ClinVar aggregate classification (germline): Uncertain significance (1 of 4 stars; one submission).

Allele frequency attached by ClinVar (database versions not stated): gnomAD 0.00003; TOPMed 0.00003; gnomAD exomes 0.00005; ESP Exome Variant Server 0.00008.
gnomAD v4.1: 71 of 1,613,876 alleles (0.0044%); highest among the groups gnomAD compares: Non-Finnish European, 0.0059%; no homozygotes.

Submission:

Labcorp Genetics (formerly Invitae), Labcorp
Classification: Uncertain significance. Last evaluated: 2024-03-30. Review status: criteria provided, single submitter. Criteria: Invitae Variant Classification Sherloc (09022015). Collection method: clinical testing. Allele origin: germline.
Comment: This sequence change replaces isoleucine, which is neutral and non-polar, with threonine, which is neutral and polar, at codon 1021 of the HMCN1 protein (p.Ile1021Thr). This variant is present in population databases (rs147245484, gnomAD 0.003%). This variant has not been reported in the literature in individuals affected with HMCN1-related conditions. An algorithm developed to predict the effect of missense changes on protein structure and function (PolyPhen-2) suggests that this variant is likely to be disruptive. In summary, the available evidence is currently insufficient to determine the role of this variant in disease. Therefore, it has been classified as a Variant of Uncertain Significance.

NM_031935.3(HMCN1):c.3062T>C (p.Ile1021Thr)

Gene: HMCN1 (hemicentin 1; plus strand). Cytogenetic location: 1q31.1.
Variant type: single nucleotide variant.
Coding change: c.3062T>C on transcript NM_031935.3 (MANE Select); coding-DNA position 3062, T replaced by C.
Protein change: p.Ile1021Thr; replaces isoleucine 1021 with threonine.
Molecular consequence: missense variant.
Genome position (GRCh38, 1-based): chr1:185,989,501, T>C. VCF-style: chr1-185989501-T-C. GRCh37 (hg19) VCF-style: chr1-185958633-T-C.
Other names: short protein forms I1021T.
Identifiers: ClinVar variation 2970397 (VCV002970397.3), dbSNP rs147245484, ClinGen allele CA33471342.